The following is an entry in ClinVar:

NM_001013839.4(EXOC7):c.610C>T (p.Arg204Cys)

Gene: EXOC7 (exocyst complex component 7; minus strand). Cytogenetic location: 17q25.1.
Variant type: single nucleotide variant.
Coding change: c.610C>T on transcript NM_001013839.4 (MANE Select); coding-DNA position 610, C replaced by T.
Protein change: p.Arg204Cys; replaces arginine 204 with cysteine.
Molecular consequence: missense variant.
Genome position (GRCh38, 1-based): chr17:76,097,826, G>A on the plus strand (C>T on the coding strand, the complement: EXOC7 is on the minus strand). VCF-style: chr17-76097826-G-A. GRCh37 (hg19) VCF-style: chr17-74093907-G-A.
Other names: c.487C>T, p.Arg163Cys (NM_001145296.1, NM_001282313.2); c.610C>T, p.Arg204Cys (NM_001145297.4, NM_001145298.4, NM_001145299.4 and 4 more transcripts); short protein forms R204C, R163C.
Identifiers: ClinVar variation 2222733 (VCV002222733.3), dbSNP rs200472486, ClinGen allele CA8781614.

ClinVar aggregate classification (germline): Uncertain significance (1 of 4 stars; one submission).

Conditions:
Inborn genetic diseases. Identifiers: MedGen C0950123, MeSH D030342.

Allele frequency attached by ClinVar (database versions not stated): gnomAD 0.00007; gnomAD exomes 0.00004; ExAC 0.00004; TOPMed 0.00003.

Submission:

Ambry Genetics
Classification: Uncertain significance for Inborn genetic diseases. Last evaluated: 2026-07-08. Review status: criteria provided, single submitter. Criteria: Ambry Variant Classification Scheme 2023. Collection method: clinical testing. Allele origin: germline.
Comment: The c.610C>T (p.R204C) alteration is located in exon 5 (coding exon 5) of the EXOC7 gene. This alteration results from a C to T substitution at nucleotide position 610, causing the arginine (R) at amino acid position 204 to be replaced by a cysteine (C). Based on data from gnomAD, the T allele has an overall frequency of 0.005% (14/281348) total alleles studied. The highest observed frequency was 0.019% (2/10356) of Ashkenazi Jewish alleles. This amino acid position is not well conserved in available vertebrate species. This alteration is predicted to be tolerated by in silico analysis. Based on insufficient or conflicting evidence, the clinical significance of this alteration remains unclear.